The following is an entry in ClinVar:

ClinVar aggregate classification (germline): Uncertain significance. Review status: criteria provided, multiple submitters, no conflicts (2 of 4 stars). 5 submissions from 5 submitters: Uncertain significance (5). Last evaluated 2025-10-23.

Conditions:
Cardiomyopathy (CMYO). Also called: Cardiomyopathies. Identifiers: Orphanet 167848, MedGen C0878544, MONDO:0004994, HP:0001638. Inheritance: Various modes of inheritance.
Hypertrophic cardiomyopathy. Also called: HYPERTROPHIC MYOCARDIOPATHY. Identifiers: Orphanet 217569, MedGen C0007194, MeSH D002312, MONDO:0005045, HP:0001639.
Hypertrophic cardiomyopathy 7. Also called: CARDIOMYOPATHY, FAMILIAL HYPERTROPHIC, 7, MODIFIER OF; TNNI3-Related Familial Hypertrophic Cardiomyopathy; Familial hypertrophic cardiomyopathy 7. Identifiers: MedGen C1860752, MONDO:0013369, OMIM 613690.
Dilated cardiomyopathy 1FF (CMD1FF). Identifiers: Orphanet 154, MedGen C2750091, MONDO:0013211, OMIM 613286.
Dilated cardiomyopathy 2A (CMD2A). Also called: CARDIOMYOPATHY, CONGESTIVE, AUTOSOMAL RECESSIVE; CARDIOMYOPATHY, DILATED, AUTOSOMAL RECESSIVE. Identifiers: Orphanet 154, MedGen C2678474, MONDO:0012746, OMIM 611880.
Cardiomyopathy, familial restrictive, 1. Identifiers: Orphanet 75249, MedGen C1861861, MONDO:0007270, OMIM 115210.
Cardiovascular phenotype. Identifiers: MedGen CN230736.

Allele frequency attached by ClinVar (database versions not stated): gnomAD exomes below 0.00001; gnomAD 0.00001; TOPMed 0.00002; ESP Exome Variant Server 0.00008.
gnomAD v4.1: 6 of 1,613,816 alleles (0.00037%); highest among the groups gnomAD compares: Non-Finnish European, 0.00051%; no homozygotes.

Submissions (5):

Labcorp Genetics (formerly Invitae), Labcorp
Classification: Uncertain significance for Hypertrophic cardiomyopathy. Last evaluated: 2025-10-23. Review status: criteria provided, single submitter. Criteria: Invitae Variant Classification Sherloc (09022015). Collection method: clinical testing. Allele origin: germline.
Comment: This sequence change replaces lysine, which is basic and polar, with arginine, which is basic and polar, at codon 207 of the TNNI3 protein (p.Lys207Arg). This variant is present in population databases (rs367672692, gnomAD 0.0009%). This variant has not been reported in the literature in individuals affected with TNNI3-related conditions. ClinVar contains an entry for this variant (Variation ID: 945741). An algorithm developed to predict the effect of missense changes on protein structure and function (PolyPhen-2) suggests that this variant is likely to be disruptive. Algorithms developed to predict the effect of sequence changes on RNA splicing suggest that this variant may create or strengthen a splice site. In summary, the available evidence is currently insufficient to determine the role of this variant in disease. Therefore, it has been classified as a Variant of Uncertain Significance.

Ambry Genetics
Classification: Uncertain significance for Cardiovascular phenotype. Last evaluated: 2025-02-04. Review status: criteria provided, single submitter. Criteria: Ambry Variant Classification Scheme 2023. Collection method: clinical testing. Allele origin: germline.
Comment: The p.K207R variant (also known as c.620A>G), located in coding exon 8 of the TNNI3 gene, results from an A to G substitution at nucleotide position 620. The lysine at codon 207 is replaced by arginine, an amino acid with highly similar properties. This amino acid position is conserved. In addition, the in silico prediction for this alteration is inconclusive. Based on the available evidence, the clinical significance of this variant remains unclear.

All of Us Research Program, National Institutes of Health
Classification: Uncertain significance for Hypertrophic cardiomyopathy. Last evaluated: 2024-09-23. Review status: criteria provided, single submitter. Criteria: ACMG Guidelines, 2015. Collection method: clinical testing. Allele origin: germline. Inheritance: Autosomal dominant inheritance. Observed: 5 variant alleles, 5 heterozygotes.
Comment: This missense variant replaces lysine with arginine at codon 207 of the TNNI3 protein. Computational prediction is inconclusive regarding the impact of this variant on protein structure and function (internally defined REVEL score threshold 0.5 < inconclusive < 0.7, PMID: 27666373). To our knowledge, functional studies have not been reported for this variant. This variant has not been reported in individuals affected with TNNI3-related disorders in the literature. This variant has been identified in 1/249574 chromosomes in the general population by the Genome Aggregation Database (gnomAD). The available evidence is insufficient to determine the role of this variant in disease conclusively. Therefore, this variant is classified as a Variant of Uncertain Significance.

This study involves interpretation of variants in research participants for the purpose of population health screening. Participant phenotype was not available at the time of variant classification. Additional details can be found in publication PMID: 35346344, PMCID: PMC8962531

Color Diagnostics, LLC DBA Color Health
Classification: Uncertain significance for Cardiomyopathy. Last evaluated: 2024-07-03. Review status: criteria provided, single submitter. Criteria: ACMG Guidelines, 2015. Collection method: clinical testing. Allele origin: germline.
Comment: This missense variant replaces lysine with arginine at codon 207 of the TNNI3 protein. Computational prediction tools indicate that this variant's impact on protein structure and function is inconclusive. To our knowledge, functional studies have not been reported for this variant. This variant has not been reported in individuals affected with TNNI3-related disorders in the literature. This variant has been identified in 1/249574 chromosomes in the general population by the Genome Aggregation Database (gnomAD). The available evidence is insufficient to determine the role of this variant in disease conclusively. Therefore, this variant is classified as a Variant of Uncertain Significance.

Fulgent Genetics
Classification: Uncertain significance for Cardiomyopathy, familial restrictive, 1; Dilated cardiomyopathy 2A; Dilated cardiomyopathy 1FF; Hypertrophic cardiomyopathy 7. Last evaluated: 2022-02-17. Review status: criteria provided, single submitter. Criteria: ACMG Guidelines, 2015. Collection method: clinical testing. Allele origin: unknown.

NM_000363.5(TNNI3):c.620A>G (p.Lys207Arg)

Gene: TNNI3 (troponin I3, cardiac type; minus strand). Cytogenetic location: 19q13.42.
Variant type: single nucleotide variant.
Coding change: c.620A>G on transcript NM_000363.5 (MANE Select); coding-DNA position 620, A replaced by G.
Protein change: p.Lys207Arg; replaces lysine 207 with arginine.
Molecular consequence: missense variant.
Genome position (GRCh38, 1-based): chr19:55,151,847, T>C on the plus strand (A>G on the coding strand, the complement: TNNI3 is on the minus strand). VCF-style: chr19-55151847-T-C. GRCh37 (hg19) VCF-style: chr19-55663215-T-C.
Other names: short protein forms K207R.
Identifiers: ClinVar variation 945741 (VCV000945741.12), dbSNP rs367672692, ClinGen allele CA310144831.